The following is an entry in ClinVar:

NM_194248.3(OTOF):c.2215-1G>C

Gene: OTOF (otoferlin; minus strand). Cytogenetic location: 2p23.3.
Variant type: single nucleotide variant.
Coding change: c.2215-1G>C on transcript NM_194248.3 (MANE Select); the canonical splice acceptor site of the intron before coding-DNA position 2215, G replaced by C.
Molecular consequence: splice acceptor variant. On other transcripts: missense variant (1).
Genome position (GRCh38, 1-based): chr2:26,477,750, C>G on the plus strand (G>C on the coding strand, the complement: OTOF is on the minus strand). VCF-style: chr2-26477750-C-G. GRCh37 (hg19) VCF-style: chr2-26700618-C-G.
Other names: NM_194323.3:c.-27-1G>C; c.144G>C, p.Gln48His (NM_194322.3); c.2215-1G>C (NM_001287489.2); c.-27-1G>C (NM_194323.3, NM_004802.4); short protein forms Q48H.
Identifiers: ClinVar variation 1703051 (VCV001703051.10), dbSNP rs1558486388, ClinGen allele CA346124255.
Genomic context (GRCh38, chr2:26,477,750, plus strand): 5'-ACGCTCAGGGTAGGACTTCTCCGTTTTGATCATCTCCTGTATGTCGTTCAGGCCTTCTTC[C>G]TGTGAATCAGGAGTGTGGGTGATGCTGGGCCACAGCCCCGCCTCCCCAGCCTCCCCAAAT-3'

ClinVar aggregate classification (germline): Likely pathogenic. Review status: reviewed by expert panel (3 of 4 stars). 5 submissions from 5 submitters: Likely pathogenic (1). 4 of the submissions do not count toward it. Last evaluated 2022-07-21.

Conditions:
Autosomal recessive nonsyndromic hearing loss 9. Also called: Deafness, autosomal recessive 9; OTOF-Related Hearing Loss; AUDITORY NEUROPATHY, AUTOSOMAL RECESSIVE, 1, TEMPERATURE-SENSITIVE; NEUROSENSORY NONSYNDROMIC RECESSIVE DEAFNESS 9. Identifiers: Orphanet 90636, MedGen C1832828, MONDO:0010986, OMIM 601071.

Allele frequency attached by ClinVar (database versions not stated): gnomAD exomes below 0.00001.
gnomAD v4.1: 2 of 1,612,692 alleles (0.00012%); highest among the groups gnomAD compares: East Asian, 0.0045%; no homozygotes.

Submissions (5):

ClinGen Hearing Loss Variant Curation Expert Panel
Classification: Likely pathogenic for Autosomal recessive nonsyndromic hearing loss 9. Last evaluated: 2022-07-21. Review status: reviewed by expert panel. Criteria: clingen hl acmg specifications otof myo15a v1. Collection method: curation. Allele origin: germline. Inheritance: Autosomal recessive inheritance.
Comment: The c.2215-1G>C variant in OTOF occurs within the canonical splice acceptor site (-1) of intron 18. It is predicted to cause skipping of biologically-relevant-exon 19 of 47, resulting in a frameshift leading to nonsense mediated decay in a gene in which loss-of-function is an established disease mechanism (PVS1). This variant is absent from gnomAD v2.1.1 (PM2_Supporting). In summary, this variant meets the criteria to be classified as likely pathogenic for autosomal recessive nonsyndromic deafness based on the ACMG/AMP criteria applied, as specified by the ClinGen Hearing Loss VCEP: PVS1 and PM2_P (ClinGen Hearing Loss VCEP specifications version 2; 7/21/2022).

Labcorp Genetics (formerly Invitae), Labcorp
Classification: Pathogenic. Last evaluated: 2023-02-17. Review status: criteria provided, single submitter. Criteria: Invitae Variant Classification Sherloc (09022015). Collection method: clinical testing. Allele origin: germline. Not counted in ClinVar's aggregate classification.
Comment: This sequence change affects an acceptor splice site in intron 18 of the OTOF gene. It is expected to disrupt RNA splicing. Variants that disrupt the donor or acceptor splice site typically lead to a loss of protein function (PMID: 16199547), and loss-of-function variants in OTOF are known to be pathogenic (PMID: 18381613, 19250381, 22575033). This variant is not present in population databases (gnomAD no frequency). Disruption of this splice site has been observed in individual(s) with congenital auditory neuropathy spectrum disorder (PMID: 26818607). In at least one individual the data is consistent with being in trans (on the opposite chromosome) from a pathogenic variant. Algorithms developed to predict the effect of sequence changes on RNA splicing suggest that this variant may disrupt the consensus splice site. For these reasons, this variant has been classified as Pathogenic.

Juno Genomics, Hangzhou Juno Genomics, Inc
Classification: Pathogenic for Autosomal recessive nonsyndromic hearing loss 9. Review status: criteria provided, single submitter. Criteria: ACMG Guidelines, 2015. Collection method: clinical testing. Allele origin: germline. Not counted in ClinVar's aggregate classification.
Comment: Absent from controls (or at extremely low frequency if recessive) in Genome Aggregation Database.;Null variant in a gene where loss of function (LOF) is a known mechanism of disease.;For recessive disorders, detected in trans with a pathogenic variant.

Diagnosis and Treatment Center of Genetic Hearing Loss, Eye & ENT Hospital of Fudan University
Classification: Pathogenic for Autosomal recessive nonsyndromic hearing loss 9. Last evaluated: 2026-02-04. Review status: no assertion criteria provided. Collection method: clinical testing. Allele origin: germline. Inheritance: Autosomal recessive inheritance. Affected: yes. Not counted in ClinVar's aggregate classification.
Comment: The c.2215-1G>C splice acceptor variant in OTOF is predicted to disrupt splicing (PVS1). It is absent from population databases (PM2_Supporting). It has been reported in at least two patients: one in trans with a likely pathogenic variant (c.[2215-1G>C];[4747C>T]) and one in trans with a VUS (c.[2215-1G>C];[5320C>A]) (PM3). The phenotype is consistent with auditory neuropathy (PP4). (PMID: 26818607, 31486067)

Deafness Molecular Diagnostic Center, Chinese PLA General Hospital
Classification: Pathogenic for Autosomal recessive nonsyndromic hearing loss 9. Review status: no assertion criteria provided. Collection method: clinical testing. Allele origin: inherited. Affected: yes. Not counted in ClinVar's aggregate classification.

Literature cited by the submitters: PubMed 16199547 (cited by Labcorp Genetics (formerly Invitae), Labcorp); PubMed 18381613 (cited by Labcorp Genetics (formerly Invitae), Labcorp); PubMed 19250381 (cited by Labcorp Genetics (formerly Invitae), Labcorp); PubMed 22575033 (cited by Labcorp Genetics (formerly Invitae), Labcorp); PubMed 26818607 (cited by Labcorp Genetics (formerly Invitae), Labcorp and Diagnosis and Treatment Center of Genetic Hearing Loss, Eye & ENT Hospital of Fudan University); PubMed 31486067 (cited by Diagnosis and Treatment Center of Genetic Hearing Loss, Eye & ENT Hospital of Fudan University).